The following is an entry in ClinVar:

ClinVar aggregate classification (germline): Likely benign (1 of 4 stars; one submission).

Conditions:
Pheochromocytoma/paraganglioma syndrome 5. Also called: Paragangliomas 5; SDHA-Related Hereditary Paraganglioma-Pheochromocytoma Syndrome. Identifiers: Orphanet 29072, MedGen C3279992, MONDO:0013602, OMIM 614165.

Submission:

Myriad Genetics, Inc.
Classification: Likely benign for Pheochromocytoma/paraganglioma syndrome 5. Last evaluated: 2025-03-07. Review status: criteria provided, single submitter. Criteria: Myriad Autosomal Dominant, Autosomal Recessive and X-Linked Classification Criteria (2023). Collection method: clinical testing. Allele origin: unknown.
Comment: This variant is considered likely benign. This variant is intronic and is not expected to impact mRNA splicing.

NM_004168.4(SDHA):c.1065-10del

Gene: SDHA (succinate dehydrogenase complex flavoprotein subunit A; plus strand). Cytogenetic location: 5p15.33.
Variant type: Deletion.
Coding change: c.1065-10del on transcript NM_004168.4 (MANE Select); 10 bases into the intron before coding-DNA position 1065, one base deleted (G; older notation c.1065-10delG).
Molecular consequence: intron variant.
Genome position (GRCh38, 1-based): chr5:235,134, G deleted. VCF-style (leftmost placement, unchanged base first): chr5-235133-TG-T. GRCh37 (hg19) VCF-style: chr5-235248-TG-T.
Other names: c.1065-10del (NM_001330758.2); c.921-10del (NM_001294332.2).
Identifiers: ClinVar variation 3904593 (VCV003904593.1).